The following is an entry in ClinVar:

NM_001999.4(FBN2):c.3149C>G (p.Thr1050Arg)

Genes: FBN2 (fibrillin 2; minus strand), LOC126807501 (BRD4-independent group 4 enhancer GRCh37_chr5:127680731-127681930; plus strand). Cytogenetic location: 5q23.3.
Variant type: single nucleotide variant.
Coding change: c.3149C>G on transcript NM_001999.4 (MANE Select); coding-DNA position 3149, C replaced by G.
Protein change: p.Thr1050Arg; replaces threonine 1050 with arginine.
Molecular consequence: missense variant.
Genome position (GRCh38, 1-based): chr5:128,345,425, G>C on the plus strand (C>G on the coding strand, the complement: FBN2 is on the minus strand). VCF-style: chr5-128345425-G-C. GRCh37 (hg19) VCF-style: chr5-127681117-G-C.
Other names: short protein forms T1050R.
Identifiers: ClinVar variation 3362266 (VCV003362266.3).

ClinVar aggregate classification (germline): Uncertain significance (1 of 4 stars; one submission).

Conditions:
Congenital contractural arachnodactyly (CCA). Also called: BEALS SYNDROME; Arthrogryposis, distal, type 9; Beals-Hecht syndrome. Identifiers: Orphanet 115, MedGen C0220668, MONDO:0007363, OMIM 121050.

Submission:

Neuberg Centre For Genomic Medicine, NCGM
Classification: Uncertain significance for Congenital contractural arachnodactyly. Last evaluated: 2023-05-20. Review status: criteria provided, single submitter. Criteria: ACMG Guidelines, 2015. Collection method: clinical testing. Allele origin: germline. Inheritance: Autosomal dominant inheritance. Affected: yes.
Comment: The missense variant c.3149C>G(p.Thr1050Arg) in FBN2 gene has not been reported previously as a pathogenic variant nor as a benign variant, to our knowledge. The observed variant is absent in gnomAD exomes database. This variant has not been submitted to the ClinVar database. Multiple lines of computational evidence (Polyphen - Benign, SIFT - Tolerated and MutationTaster - Polymorphism) predict no damaging effect on protein structure and function for this variant. The reference amino acid change p.Thr1050Arg in FBN2 is predicted as conserved by GERP++ and PhyloP across 100 vertebrates. The amino acid Thr at position 1050 is changed to a Arg changing protein sequence and it might alter its composition and physico-chemical properties. For these reasons, this variant has been classified as Uncertain Significance (VUS). The above variant has also been detected in heterozygous state in siblings